The following is an entry in ClinVar:

NM_014159.7(SETD2):c.843AGA[1] (p.Glu282del)

Gene: SETD2 (SET domain containing 2, histone lysine methyltransferase; minus strand). Cytogenetic location: 3p21.31.
Variant type: Microsatellite.
Coding change: c.843AGA[1] on transcript NM_014159.7 (MANE Select); one copy of the 3-base unit AGA starting at c.843; the reference has two copies in a row; one copy, 3 bases deleted; also written c.846_848del.
Protein change: p.Glu282del; deletes glutamic acid 282.
Molecular consequence: inframe deletion. On other transcripts: non-coding transcript variant (1).
Genome position (GRCh38, 1-based): chr3:47,123,788-47,123,790, TCT deleted on the plus strand (AGA on the coding strand, the reverse complement: SETD2 is on the minus strand); deleting any 3 consecutive bases within chr3:47,123,788-47,123,794 gives the same sequence; the position shown is the placement nearest the transcript's 3' end. VCF-style (leftmost placement, unchanged base first): chr3-47123787-ATCT-A. GRCh37 (hg19) VCF-style: chr3-47165277-ATCT-A.
Other names: c.711AGA[1], p.Glu238del (NM_001349370.3); c.846_848del (NM_014159.7); short protein forms E238del, E282del.
Identifiers: ClinVar variation 5019693 (VCV005019693.2).

ClinVar aggregate classification (germline): Uncertain significance (1 of 4 stars; one submission).

Conditions:
Luscan-Lumish syndrome. Identifiers: Orphanet 597738, MedGen C4085873, MONDO:0014791, OMIM 616831.
Rabin-Pappas syndrome. Identifiers: MedGen C5774269, MONDO:0859331, OMIM 620155.
Intellectual developmental disorder, autosomal dominant 70. Identifiers: MedGen C5774271, MONDO:0859333, OMIM 620157.

Submission:

Juno Genomics, Hangzhou Juno Genomics, Inc
Classification: Uncertain significance for Intellectual developmental disorder, autosomal dominant 70; Luscan-Lumish syndrome; Rabin-Pappas syndrome. Review status: criteria provided, single submitter. Criteria: ACMG Guidelines, 2015. Collection method: clinical testing. Allele origin: germline.
Comment: Absent from controls (or at extremely low frequency if recessive) in Genome Aggregation Database.;Protein length changes due to in-frame deletions/insertions in a non-repeat region or stop-loss variants.